The following is an entry in ClinVar:

ClinVar aggregate classification (germline): Uncertain significance (1 of 4 stars; one submission).

Conditions:
Spermatogenic failure 18. Identifiers: MedGen C4539783, MONDO:0054615, OMIM 617576.
Ciliary dyskinesia, primary, 37 (CILD37). Also called: CILIARY DYSKINESIA, PRIMARY, 37, WITH OR WITHOUT SITUS INVERSUS. Identifiers: MedGen C4539798, MONDO:0033204, OMIM 617577.

Allele frequency attached by ClinVar (database versions not stated): gnomAD exomes 0.00001; ExAC 0.00002; gnomAD 0.00003; TOPMed 0.00004; ESP Exome Variant Server 0.00008.
gnomAD v4.1: 25 of 1,613,654 alleles (0.0015%); highest among the groups gnomAD compares: Middle Eastern, 0.083%; 1 homozygote.

Submission:

Labcorp Genetics (formerly Invitae), Labcorp
Classification: Uncertain significance for Ciliary dyskinesia, primary, 37; Spermatogenic failure 18. Last evaluated: 2023-12-22. Review status: criteria provided, single submitter. Criteria: Invitae Variant Classification Sherloc (09022015). Collection method: clinical testing. Allele origin: germline.
Comment: This sequence change replaces glutamic acid, which is acidic and polar, with glycine, which is neutral and non-polar, at codon 251 of the DNAH1 protein (p.Glu251Gly). This variant is present in population databases (rs372371202, gnomAD 0.01%). This variant has not been reported in the literature in individuals affected with DNAH1-related conditions. ClinVar contains an entry for this variant (Variation ID: 2039633). An algorithm developed to predict the effect of missense changes on protein structure and function (PolyPhen-2) suggests that this variant¬†is likely to be tolerated. In summary, the available evidence is currently insufficient to determine the role of this variant in disease. Therefore, it has been classified as a Variant of Uncertain Significance.

NM_015512.5(DNAH1):c.752A>G (p.Glu251Gly)

Gene: DNAH1 (dynein axonemal heavy chain 1; plus strand). Cytogenetic location: 3p21.1.
Variant type: single nucleotide variant.
Coding change: c.752A>G on transcript NM_015512.5 (MANE Select); coding-DNA position 752, A replaced by G.
Protein change: p.Glu251Gly; replaces glutamic acid 251 with glycine.
Molecular consequence: missense variant.
Genome position (GRCh38, 1-based): chr3:52,327,895, A>G. VCF-style: chr3-52327895-A-G. GRCh37 (hg19) VCF-style: chr3-52361911-A-G.
Other names: short protein forms E251G.
Identifiers: ClinVar variation 2039633 (VCV002039633.2), dbSNP rs372371202, ClinGen allele CA2432766.